The following is an entry in ClinVar:

ClinVar aggregate classification (germline): Uncertain significance (1 of 4 stars; one submission).

Conditions:
Duchenne muscular dystrophy (DMD). Also called: MUSCULAR DYSTROPHY, PSEUDOHYPERTROPHIC PROGRESSIVE, DUCHENNE TYPE; Duchenne Muscular Dystrophy (DMD). Identifiers: Orphanet 98896, MedGen C0013264, MONDO:0010679, OMIM 310200.

Submission:

Labcorp Genetics (formerly Invitae), Labcorp
Classification: Uncertain significance for Duchenne muscular dystrophy. Last evaluated: 2024-11-04. Review status: criteria provided, single submitter. Criteria: Invitae Variant Classification Sherloc (09022015). Collection method: clinical testing. Allele origin: germline.
Comment: This sequence change replaces serine, which is neutral and polar, with phenylalanine, which is neutral and non-polar, at codon 3420 of the DMD protein (p.Ser3420Phe). This variant is not present in population databases (gnomAD no frequency). This variant has not been reported in the literature in individuals affected with DMD-related conditions. ClinVar contains an entry for this variant (Variation ID: 1464379). Invitae Evidence Modeling of protein sequence and biophysical properties (such as structural, functional, and spatial information, amino acid conservation, physicochemical variation, residue mobility, and thermodynamic stability) indicates that this missense variant is not expected to disrupt DMD protein function with a negative predictive value of 95%. In summary, the available evidence is currently insufficient to determine the role of this variant in disease. Therefore, it has been classified as a Variant of Uncertain Significance.

NM_004006.3(DMD):c.10259C>T (p.Ser3420Phe)

Gene: DMD (dystrophin; minus strand). Cytogenetic location: Xp21.2.
Variant type: single nucleotide variant.
Coding change: c.10259C>T on transcript NM_004006.3 (MANE Select); coding-DNA position 10259, C replaced by T.
Protein change: p.Ser3420Phe; replaces serine 3420 with phenylalanine.
Molecular consequence: missense variant. On other transcripts: intron variant (5).
Genome position (GRCh38, 1-based): chrX:31,177,935, G>A on the plus strand (C>T on the coding strand, the complement: DMD is on the minus strand). VCF-style: chrX-31177935-G-A. GRCh37 (hg19) VCF-style: chrX-31196052-G-A.
Other names: c.10235C>T, p.Ser3412Phe (NM_000109.4); c.10247C>T, p.Ser3416Phe (NM_004009.3); c.9890C>T, p.Ser3297Phe (NM_004010.3); c.6236C>T, p.Ser2079Phe (NM_004011.4); c.6227C>T, p.Ser2076Phe (NM_004012.4); c.2879C>T, p.Ser960Phe (NM_004013.3, NM_004021.3); c.2072C>T, p.Ser691Phe (NM_004014.3); c.1055C>T, p.Ser352Phe (NM_004015.3, NM_004016.3); and 2 more; short protein forms S3420F, S2079F, S3416F, S691F, S2076F, S3297F, S3412F, S352F.
Identifiers: ClinVar variation 1464379 (VCV001464379.5), dbSNP rs398123836, ClinGen allele CA222271.